The following is an entry in ClinVar:

ClinVar aggregate classification (germline): Uncertain significance. Review status: criteria provided, multiple submitters, no conflicts (2 of 4 stars). 2 submissions from 2 submitters: Uncertain significance (2). Last evaluated 2025-09-07.

Conditions:
Hereditary cancer-predisposing syndrome. Also called: Neoplastic Syndromes, Hereditary; Hereditary neoplastic syndrome; Tumor predisposition; Hereditary Cancer Syndrome. Identifiers: Orphanet 140162, MedGen C0027672, MeSH D009386, MONDO:0015356.
Tuberous sclerosis 2 (TSC2). Identifiers: Orphanet 805, MedGen C1860707, MONDO:0013199, OMIM 613254.

Allele frequency attached by ClinVar (database versions not stated): TOPMed below 0.00001.

Submissions (2):

Labcorp Genetics (formerly Invitae), Labcorp
Classification: Uncertain significance for Tuberous sclerosis 2. Last evaluated: 2025-09-07. Review status: criteria provided, single submitter. Criteria: Invitae Variant Classification Sherloc (09022015). Collection method: clinical testing. Allele origin: germline.
Comment: This sequence change replaces glycine, which is neutral and non-polar, with serine, which is neutral and polar, at codon 1693 of the TSC2 protein (p.Gly1693Ser). This variant is not present in population databases (gnomAD no frequency). This variant has not been reported in the literature in individuals affected with TSC2-related conditions. ClinVar contains an entry for this variant (Variation ID: 835921). Invitae Evidence Modeling of protein sequence and biophysical properties (such as structural, functional, and spatial information, amino acid conservation, physicochemical variation, residue mobility, and thermodynamic stability) indicates that this missense variant is not expected to disrupt TSC2 protein function with a negative predictive value of 95%. In summary, the available evidence is currently insufficient to determine the role of this variant in disease. Therefore, it has been classified as a Variant of Uncertain Significance.

Ambry Genetics
Classification: Uncertain significance for Hereditary cancer-predisposing syndrome. Last evaluated: 2022-09-25. Review status: criteria provided, single submitter. Criteria: Ambry Variant Classification Scheme 2023. Collection method: clinical testing. Allele origin: germline.
Comment: The p.G1693S variant (also known as c.5077G>A), located in coding exon 39 of the TSC2 gene, results from a G to A substitution at nucleotide position 5077. The glycine at codon 1693 is replaced by serine, an amino acid with similar properties. This amino acid position is conserved. In addition, this alteration is predicted to be deleterious by in silico analysis. Since supporting evidence is limited at this time, the clinical significance of this alteration remains unclear.

NM_000548.5(TSC2):c.5077G>A (p.Gly1693Ser)

Gene: TSC2 (TSC complex subunit 2; plus strand). Cytogenetic location: 16p13.3.
Variant type: single nucleotide variant.
Coding change: c.5077G>A on transcript NM_000548.5 (MANE Select); coding-DNA position 5077, G replaced by A.
Protein change: p.Gly1693Ser; replaces glycine 1693 with serine.
Molecular consequence: missense variant.
Genome position (GRCh38, 1-based): chr16:2,088,056, G>A. VCF-style: chr16-2088056-G-A. GRCh37 (hg19) VCF-style: chr16-2138057-G-A.
Other names: c.4876G>A, p.Gly1626Ser (NM_001077183.3); c.5008G>A, p.Gly1670Ser (NM_001114382.3); c.4768G>A, p.Gly1590Ser (NM_001318827.2); c.4732G>A, p.Gly1578Ser (NM_001318829.2); c.4345G>A, p.Gly1449Ser (NM_001318831.2); c.4909G>A, p.Gly1637Ser (NM_001318832.2); c.4879G>A, p.Gly1627Ser (NM_001363528.2); c.4945G>A, p.Gly1649Ser (NM_001370404.1); and 1 more; short protein forms G1670S, G1590S, G1626S, G1637S, G1627S, G1649S, G1650S, G1693S.
Identifiers: ClinVar variation 835921 (VCV000835921.12), dbSNP rs2091088245, ClinGen allele CA394311966.